The following is an entry in ClinVar:

ClinVar aggregate classification (germline): Benign. Review status: criteria provided, multiple submitters, no conflicts (2 of 4 stars). 3 submissions from 2 submitters: Benign (3). Last evaluated 2018-01-13.

Conditions:
Migraine, familial hemiplegic, 2. Identifiers: Orphanet 569, MedGen C1865322, MONDO:0011232, OMIM 602481.
Alternating hemiplegia of childhood 1 (AHC1). Identifiers: Orphanet 2131, MedGen C3549447, MONDO:0007087, OMIM 104290.

Allele frequency attached by ClinVar (database versions not stated): gnomAD exomes 0.01316; gnomAD 0.01486; 1000 Genomes Project 0.01558; 1000 Genomes Project 30x 0.01593; TOPMed 0.01662.
gnomAD v4.1: 2,188 of 152,210 alleles (1.4%); highest among the groups gnomAD compares: African/African-American, 4.9%; 62 homozygotes.

Submissions (3):

Illumina Laboratory Services, Illumina
Classification: Benign for Alternating hemiplegia of childhood 1. Last evaluated: 2018-01-13. Review status: criteria provided, single submitter. Criteria: ICSL Variant Classification Criteria 13 December 2019. Collection method: clinical testing. Allele origin: germline.
Comment: This variant was observed in the ICSL laboratory as part of a predisposition screen in an ostensibly healthy population. It had not been previously curated by ICSL or reported in the Human Gene Mutation Database (HGMD: prior to June 1st, 2018), and was therefore a candidate for classification through an automated scoring system. Utilizing variant allele frequency, disease prevalence and penetrance estimates, and inheritance mode, an automated score was calculated to assess if this variant is too frequent to cause the disease. Based on the score and internal cut-off values, a variant classified as benign is not then subjected to further curation. The score for this variant resulted in a classification of benign for this disease.

Illumina Laboratory Services, Illumina
Classification: Benign for Migraine, familial hemiplegic, 2. Last evaluated: 2018-01-13. Review status: criteria provided, single submitter. Criteria: ICSL Variant Classification Criteria 13 December 2019. Collection method: clinical testing. Allele origin: germline.
Comment: the same text as in the submission from Illumina Laboratory Services, Illumina above.

Breakthrough Genomics
Classification: Benign. Review status: criteria provided, single submitter. Criteria: ACMG Guidelines, 2015. Collection method: not provided. Allele origin: germline. Inheritance: Autosomal recessive inheritance. Affected: yes.

NM_000702.4(ATP1A2):c.*1284C>T

Gene: ATP1A2 (ATPase Na+/K+ transporting subunit alpha 2; plus strand). Cytogenetic location: 1q23.2.
Variant type: single nucleotide variant.
Coding change: c.*1284C>T on transcript NM_000702.4 (MANE Select); 1284 bases downstream of the stop codon, C replaced by T.
Molecular consequence: 3 prime UTR variant.
Genome position (GRCh38, 1-based): chr1:160,142,606, C>T. VCF-style: chr1-160142606-C-T. GRCh37 (hg19) VCF-style: chr1-160112396-C-T.
Identifiers: ClinVar variation 293170 (VCV000293170.6), dbSNP rs78507938, ClinGen allele CA10607954.